The following is an entry in ClinVar:

NM_004519.4(KCNQ3):c.*7689A>G

Gene: KCNQ3 (potassium voltage-gated channel subfamily Q member 3; minus strand). Cytogenetic location: 8q24.22.
Variant type: single nucleotide variant.
Coding change: c.*7689A>G on transcript NM_004519.4 (MANE Select); 7689 bases downstream of the stop codon, A replaced by G.
Molecular consequence: 3 prime UTR variant.
Genome position (GRCh38, 1-based): chr8:132,121,573, T>C on the plus strand (A>G on the coding strand, the complement: KCNQ3 is on the minus strand). VCF-style: chr8-132121573-T-C. GRCh37 (hg19) VCF-style: chr8-133133820-T-C.
Other names: c.*7689A>G (NM_001204824.2).
Identifiers: ClinVar variation 361748 (VCV000361748.6), dbSNP rs142621198, ClinGen allele CA10624690.
Genomic context (GRCh38, chr8:132,121,573, plus strand): 5'-TGGGGGTGGGAACTGCCCCCTCCTTGGAAAAGTATTCAGAGGGGTATAGAAGGGCCCAAT[T>C]ACCAGATCAGGTTGGCTTCCATGGGAAACCTTGATCTTTTAATACTGAGAAAGAGAGACA-3'

ClinVar aggregate classification (germline): Benign (1 of 4 stars; one submission).

Conditions:
Seizures, benign familial neonatal, 2. Also called: CONVULSIONS, BENIGN FAMILIAL NEONATAL, 2; KCNQ3-Related Self-Limited Familial Neonatal Epilepsy (SLFNE); Benign Neonatal Epilepsy 2; KCNQ3-Related Benign Familial Neonatal Epilepsy; Seizures, benign neonatal, 2. Identifiers: Orphanet 1949, MedGen C1852581, MONDO:0007366, OMIM 121201.

Allele frequency attached by ClinVar (database versions not stated): TOPMed 0.00394; gnomAD 0.00362 and 0.00377; 1000 Genomes Project 0.00439; 1000 Genomes Project 30x 0.00453.
gnomAD v4.1: 545 of 152,284 alleles (0.36%); highest among the groups gnomAD compares: African/African-American, 1%; 4 homozygotes.

Submission:

Illumina Laboratory Services, Illumina
Classification: Benign for Seizures, benign familial neonatal, 2. Last evaluated: 2018-01-12. Review status: criteria provided, single submitter. Criteria: ICSL Variant Classification Criteria 13 December 2019. Collection method: clinical testing. Allele origin: germline.
Comment: This variant was observed in the ICSL laboratory as part of a predisposition screen in an ostensibly healthy population. It had not been previously curated by ICSL or reported in the Human Gene Mutation Database (HGMD: prior to June 1st, 2018), and was therefore a candidate for classification through an automated scoring system. Utilizing variant allele frequency, disease prevalence and penetrance estimates, and inheritance mode, an automated score was calculated to assess if this variant is too frequent to cause the disease. Based on the score and internal cut-off values, a variant classified as benign is not then subjected to further curation. The score for this variant resulted in a classification of benign for this disease.